The following is an entry in ClinVar:

NM_018082.6(POLR3B):c.216G>A (p.Met72Ile)

Gene: POLR3B (RNA polymerase III subunit B; plus strand). Cytogenetic location: 12q23.3.
Variant type: single nucleotide variant.
Coding change: c.216G>A on transcript NM_018082.6 (MANE Select); coding-DNA position 216, G replaced by A.
Protein change: p.Met72Ile; replaces methionine 72 with isoleucine.
Molecular consequence: missense variant.
Genome position (GRCh38, 1-based): chr12:106,366,711, G>A. VCF-style: chr12-106366711-G-A. GRCh37 (hg19) VCF-style: chr12-106760489-G-A.
Other names: c.42G>A, p.Met14Ile (NM_001160708.2); short protein forms M14I, M72I.
Identifiers: ClinVar variation 4882803 (VCV004882803.2).

ClinVar aggregate classification (germline): Uncertain significance (1 of 4 stars; one submission).

gnomAD v4.1: 2 of 1,612,072 alleles (0.00012%); highest among the groups gnomAD compares: Non-Finnish European, 0.00017%; no homozygotes.

Submission:

Dasa
Classification: Uncertain significance. Last evaluated: 2025-06-29. Review status: criteria provided, single submitter. Criteria: DASA Assertion Criteria. Collection method: clinical testing. Allele origin: germline.
Comment: NM_018082.6(POLR3B):c.216G>A (p.Met72Ile) is a missense variant that results in the substitution of methionine with isoleucine. This variant is rare in population databases. Computational prediction algorithms are consistent with a benign effect. The currently available literature and clinical evidence are not sufficient to establish a definitive association between this variant and the reported condition. Therefore, this variant is classified as a variant of uncertain significance.